The following is an entry in ClinVar:

ClinVar aggregate classification (germline): Uncertain significance (1 of 4 stars; one submission).

Conditions:
Hereditary cancer-predisposing syndrome. Also called: Hereditary Cancer Syndrome; Hereditary neoplastic syndrome; Neoplastic Syndromes, Hereditary; Tumor predisposition. Identifiers: Orphanet 140162, MedGen C0027672, MeSH D009386, MONDO:0015356.

Submission:

Ambry Genetics
Classification: Uncertain significance for Hereditary cancer-predisposing syndrome. Last evaluated: 2026-08-12. Review status: criteria provided, single submitter. Criteria: Ambry Variant Classification Scheme 2023. Collection method: clinical testing. Allele origin: germline.
Comment: The p.G250D variant (also known as c.749G>A), located in coding exon 6 of the FH gene, results from a G to A substitution at nucleotide position 749. The glycine at codon 250 is replaced by aspartic acid, an amino acid with similar properties. This amino acid position is not well conserved in available vertebrate species. In addition, this alteration is predicted to be deleterious by in silico analysis. Based on the available evidence, the clinical significance of this variant remains unclear.

NM_000143.4(FH):c.749G>A (p.Gly250Asp)

Gene: FH (fumarate hydratase; minus strand). Cytogenetic location: 1q43.
Variant type: single nucleotide variant.
Coding change: c.749G>A on transcript NM_000143.4 (MANE Select); coding-DNA position 749, G replaced by A.
Protein change: p.Gly250Asp; replaces glycine 250 with aspartic acid.
Molecular consequence: missense variant.
Genome position (GRCh38, 1-based): chr1:241,506,158, C>T on the plus strand (G>A on the coding strand, the complement: FH is on the minus strand). VCF-style: chr1-241506158-C-T. GRCh37 (hg19) VCF-style: chr1-241669458-C-T.
Other names: short protein forms G250D.
Identifiers: ClinVar variation 1759193 (VCV001759193.3), dbSNP rs951611697, ClinGen allele CA40328262.
Genomic context (GRCh38, chr1:241,506,158, plus strand): 5'-TAGATTCTTGGCATGGCAGCTTTTATTCTTGTCATTGCATATTTTACTTGTTGAACATAA[C>T]CACTAAATTCCTGAAAAGAAAAGAAAATTAAGGTAAGAATAAGTAATTCCTAATAGCTTA-3'
Protein context (NP_000134.2, residues 240-260): VPLTLGQEFS[Gly250Asp]YVQQVKYAMT